The following is an entry in ClinVar:

ClinVar aggregate classification (germline): Pathogenic. Review status: criteria provided, multiple submitters, no conflicts (2 of 4 stars). 3 submissions from 3 submitters: Pathogenic (2). 1 of the submissions does not count toward it. Last evaluated 2025-09-30.

Conditions:
Primary hyperoxaluria, type I (HP1). Also called: GLYCOLIC ACIDURIA; HEPATIC AGT DEFICIENCY; OXALOSIS I; Primary hyperoxaluria type 1. Identifiers: Orphanet 416, Orphanet 93598, MedGen C0268164, MONDO:0009823, OMIM 259900. Disease mechanism: loss of function.

Submissions (3):

3billion
Classification: Pathogenic for Primary hyperoxaluria, type I. Last evaluated: 2025-09-30. Review status: criteria provided, single submitter. Criteria: ACMG Guidelines, 2015. Collection method: clinical testing. Allele origin: germline. Affected: yes.
Comment: The variant is not observed in the gnomAD v4.1.0 dataset. Predicted Consequence/Location: Frameshift: predicted to result in a loss or disruption of normal protein function through nonsense-mediated decay (NMD) or protein truncation. Multiple pathogenic variants are reported downstream of the variant. The variant has been reported to be associated with AGXT-related disorder (ClinVar ID: VCV000204197 /PMID: 17495019 /3billion dataset). Therefore, this variant is classified as Pathogenic according to the recommendation of ACMG/AMP guideline.

Labcorp Genetics (formerly Invitae), Labcorp
Classification: Pathogenic. Last evaluated: 2021-02-25. Review status: criteria provided, single submitter. Criteria: Invitae Variant Classification Sherloc (09022015). Collection method: clinical testing. Allele origin: germline.
Comment: This sequence change creates a premature translational stop signal (p.Asp243Glyfs*12) in the AGXT gene. It is expected to result in an absent or disrupted protein product. Loss-of-function variants in AGXT are known to be pathogenic (PMID: 19479957). This variant is not present in population databases (ExAC no frequency). This variant has been observed in individual(s) with hyperoxaluria (PMID: 17495019). ClinVar contains an entry for this variant (Variation ID: 204197). For these reasons, this variant has been classified as Pathogenic.

Clinical Biochemistry Laboratory, Health Services Laboratory
Classification: Pathogenic for Primary hyperoxaluria, type I. Last evaluated: 2014-11-27. Review status: no assertion criteria provided. Collection method: research. Allele origin: germline. Affected: yes. Not counted in ClinVar's aggregate classification.

Literature cited by the submitters: PubMed 17495019 (cited by 3 submitters); PubMed 19479957 (cited by Labcorp Genetics (formerly Invitae), Labcorp).

NM_000030.3(AGXT):c.725dup (p.Asp243fs)

Gene: AGXT (alanine--glyoxylate aminotransferase; plus strand). Cytogenetic location: 2q37.3.
Variant type: Duplication.
Coding change: c.725dup on transcript NM_000030.3 (MANE Select); coding-DNA position 725, one base duplicated (T; older notation c.725dupT).
Protein change: p.Asp243fs; shifts the reading frame from aspartic acid 243.
Molecular consequence: frameshift variant.
Genome position (GRCh38, 1-based): chr2:240,875,153, T duplicated. VCF-style (leftmost placement, unchanged base first): chr2-240875152-C-CT. GRCh37 (hg19) VCF-style: chr2-241814569-C-CT.
Other names: short protein forms D243fs.
Identifiers: ClinVar variation 204197 (VCV000204197.10), dbSNP rs180177257, ClinGen allele CA275849.
Genomic context (GRCh38, chr2:240,875,152, plus strand): 5'-TGCTTCTTTCTCCCCAGAAAGAAGATGTACTCCCGCAAGACGAAGCCCTTCTCCTTCTAC[C>CT]TGGACATCAAGTGGCTGGCCAACTTCTGGGGCTGTGACGACCAGCCCAGGATGTGAGGCC-3'